The following is an entry in ClinVar:

NM_000138.5(FBN1):c.700G>T (p.Gly234Cys)

Gene: FBN1 (fibrillin 1; minus strand). Cytogenetic location: 15q21.1.
Variant type: single nucleotide variant.
Coding change: c.700G>T on transcript NM_000138.5 (MANE Select); coding-DNA position 700, G replaced by T.
Protein change: p.Gly234Cys; replaces glycine 234 with cysteine.
Molecular consequence: missense variant.
Genome position (GRCh38, 1-based): chr15:48,537,647, C>A on the plus strand (G>T on the coding strand, the complement: FBN1 is on the minus strand). VCF-style: chr15-48537647-C-A. GRCh37 (hg19) VCF-style: chr15-48829844-C-A.
Other names: c.700G>T, p.Gly234Cys (NM_001406716.1, NM_001406717.1); short protein forms G234C.
Identifiers: ClinVar variation 2951150 (VCV002951150.5), dbSNP rs2505661178, ClinGen allele CA392445856.
Genomic context (GRCh38, chr15:48,537,647, plus strand): 5'-ATAATTCCATCAGCCCGGGTTTACCTTGACAAGCTCCCGTGCGGATATTTGGAATGAAGC[C>A]ACGGCGGCAGGGGTGAGGCTGGGCAGGACACATCTCACAGGGGTGGCCCCAGGCTCGGCC-3'
Protein context (NP_000129.3, residues 224-244): CPAQPHPCRR[Gly234Cys]FIPNIRTGAC

ClinVar aggregate classification (germline): Likely pathogenic. Review status: criteria provided, multiple submitters, no conflicts (2 of 4 stars). 2 submissions from 2 submitters: Likely pathogenic (2). Last evaluated 2026-06-25.

Conditions:
Marfan syndrome (MFS). Also called: MARFAN SYNDROME, TYPE I; Marfan syndrome type 1; Marfan's syndrome; Marfan syndrome, classic; FBN1-Related Marfan Syndrome. Identifiers: Orphanet 284963, Orphanet 558, MedGen C0024796, MONDO:0007947, OMIM 154700.
Familial thoracic aortic aneurysm and aortic dissection (TAAD). Also called: Thoracic aortic aneurysms and dissections. Identifiers: Orphanet 91387, MedGen C4707243, MONDO:0019625.
Marfan Syndrome/Loeys-Dietz Syndrome/Familial Thoracic Aortic Aneurysms and Dissections. Identifiers: MedGen CN229799.

Submissions (2):

Women's Health and Genetics/Laboratory Corporation of America, LabCorp
Classification: Likely pathogenic for Marfan Syndrome/Loeys-Dietz Syndrome/Familial Thoracic Aortic Aneurysms and Dissections. Last evaluated: 2026-06-25. Review status: criteria provided, single submitter. Criteria: LabCorp Variant Classification Summary - May 2015. Collection method: clinical testing. Allele origin: germline.
Comment: Variant summary: FBN1 c.700G>T (p.Gly234Cys) results in a non-conservative amino acid change in the encoded protein sequence. Algorithms developed to predict the effect of missense changes on protein structure and function all suggest that this variant is likely to be disruptive. The variant was absent in 251282 control chromosomes. The available data on variant occurrences in the general population are insufficient to allow any conclusion about variant significance. c.700G>T has been observed in an individual(s) affected with FBN1-related conditions (internal_testing). These data do not allow any conclusion about variant significance. To our knowledge, no experimental evidence demonstrating an impact on protein function has been reported. A different variant affecting the same codon has been classified as likely pathogenic/pathogenic (c.701G>A, p.Gly234Asp), supporting the critical relevance of codon 234 to FBN1 protein function. Internally validated machine learning-based Evidence Modeling of protein sequence and biophysical properties (such as structural, functional, and spatial information, amino acid conservation, physicochemical variation, residue mobility, and thermodynamic stability) indicates that this missense variant is expected to disrupt protein function with a positive predictive value of at least 95%. ClinVar contains an entry for this variant (Variation ID: 2951150). Based on the evidence outlined above, the variant was classified as likely pathogenic.

Labcorp Genetics (formerly Invitae), Labcorp
Classification: Likely pathogenic for Marfan syndrome; Familial thoracic aortic aneurysm and aortic dissection. Last evaluated: 2023-09-08. Review status: criteria provided, single submitter. Criteria: Invitae Variant Classification Sherloc (09022015). Collection method: clinical testing. Allele origin: germline.
Comment: Advanced modeling of protein sequence and biophysical properties (such as structural, functional, and spatial information, amino acid conservation, physicochemical variation, residue mobility, and thermodynamic stability) performed at Invitae indicates that this missense variant is expected to disrupt FBN1 protein function. In summary, the currently available evidence indicates that the variant is pathogenic, but additional data are needed to prove that conclusively. Therefore, this variant has been classified as Likely Pathogenic. This variant disrupts the p.Gly234 amino acid residue in FBN1. Other variant(s) that disrupt this residue have been determined to be pathogenic (Invitae). This suggests that this residue is clinically significant, and that variants that disrupt this residue are likely to be disease-causing. This missense change has been observed in individual(s) with Marfan syndrome (Invitae). This variant is not present in population databases (gnomAD no frequency). This sequence change replaces glycine, which is neutral and non-polar, with cysteine, which is neutral and slightly polar, at codon 234 of the FBN1 protein (p.Gly234Cys).